The following is an entry in ClinVar:

ClinVar aggregate classification (germline): Pathogenic/Likely pathogenic. Review status: criteria provided, multiple submitters, no conflicts (2 of 4 stars). 2 submissions from 2 submitters: Pathogenic (1); Likely pathogenic (1). Last evaluated 2024-02-10.

Conditions:
Autosomal systemic lupus erythematosus type 16. Also called: Systemic lupus erythematosus 16. Identifiers: Orphanet 300345, MedGen C3280742, MONDO:0013743, OMIM 614420.

Submissions (2):

Labcorp Genetics (formerly Invitae), Labcorp
Classification: Pathogenic. Last evaluated: 2024-02-10. Review status: criteria provided, single submitter. Criteria: Invitae Variant Classification Sherloc (09022015). Collection method: clinical testing. Allele origin: germline.
Comment: This sequence change creates a premature translational stop signal (p.Ile54Glyfs*32) in the DNASE1L3 gene. It is expected to result in an absent or disrupted protein product. Loss-of-function variants in DNASE1L3 are known to be pathogenic (PMID: 24206041, 27821515). This variant is not present in population databases (gnomAD no frequency). This variant has not been reported in the literature in individuals affected with DNASE1L3-related conditions. For these reasons, this variant has been classified as Pathogenic.

Fulgent Genetics
Classification: Likely pathogenic for Autosomal systemic lupus erythematosus type 16. Last evaluated: 2024-01-24. Review status: criteria provided, single submitter. Criteria: ACMG Guidelines, 2015. Collection method: clinical testing. Allele origin: germline.

Literature cited by the submitters: PubMed 24206041 (cited by Labcorp Genetics (formerly Invitae), Labcorp); PubMed 27821515 (cited by Labcorp Genetics (formerly Invitae), Labcorp).

NM_004944.4(DNASE1L3):c.159_172del (p.Ile54fs)

Gene: DNASE1L3 (deoxyribonuclease 1L3; minus strand). Cytogenetic location: 3p14.3.
Variant type: Deletion.
Coding change: c.159_172del on transcript NM_004944.4 (MANE Select); coding-DNA positions 159 to 172, 14 bases deleted (CATCATACTCGTGA).
Protein change: p.Ile54fs; shifts the reading frame from isoleucine 54.
Molecular consequence: frameshift variant.
Genome position (GRCh38, 1-based): chr3:58,208,276-58,208,289, TCACGAGTATGATG deleted on the plus strand (CATCATACTCGTGA on the coding strand, the reverse complement: DNASE1L3 is on the minus strand); deleting any 14 consecutive bases within chr3:58,208,276-58,208,293 gives the same sequence; the c. name uses the placement nearest the transcript's 3' end. VCF-style (leftmost placement, unchanged base first): chr3-58208275-ATCACGAGTATGATG-A. GRCh37 (hg19) VCF-style: chr3-58194002-ATCACGAGTATGATG-A.
Other names: c.159_172del, p.Ile54fs (NM_001256560.2); short protein forms I54fs.
Identifiers: ClinVar variation 3589513 (VCV003589513.3).